The following is an entry in ClinVar:

NM_022552.5(DNMT3A):c.13C>T (p.Pro5Ser)

Gene: DNMT3A (DNA methyltransferase 3 alpha; minus strand). Cytogenetic location: 2p23.3.
Variant type: single nucleotide variant.
Coding change: c.13C>T on transcript NM_022552.5 (MANE Select); coding-DNA position 13, C replaced by T.
Protein change: p.Pro5Ser; replaces proline 5 with serine.
Molecular consequence: missense variant. On other transcripts: non-coding transcript variant (1).
Genome position (GRCh38, 1-based): chr2:25,313,972, G>A on the plus strand (C>T on the coding strand, the complement: DNMT3A is on the minus strand). VCF-style: chr2-25313972-G-A. GRCh37 (hg19) VCF-style: chr2-25536841-G-A.
Other names: c.13C>T, p.Pro5Ser (NM_001320892.2, NM_175629.2, NM_175630.1); short protein forms P5S.
Identifiers: ClinVar variation 2918892 (VCV002918892.3), dbSNP rs1364437125, ClinGen allele CA346254514.

ClinVar aggregate classification (germline): Uncertain significance (1 of 4 stars; one submission).

Conditions:
Tatton-Brown-Rahman overgrowth syndrome. Also called: Tatton-Brown-Rahman syndrome; Tall stature-intellectual disability-facial dysmorphism syndrome. Identifiers: Orphanet 404443, MedGen C4014545, MONDO:0014382, OMIM 615879.

Submission:

Labcorp Genetics (formerly Invitae), Labcorp
Classification: Uncertain significance for Tatton-Brown-Rahman overgrowth syndrome. Last evaluated: 2023-07-08. Review status: criteria provided, single submitter. Criteria: Invitae Variant Classification Sherloc (09022015). Collection method: clinical testing. Allele origin: germline.
Comment: This sequence change replaces proline, which is neutral and non-polar, with serine, which is neutral and polar, at codon 5 of the DNMT3A protein (p.Pro5Ser). This variant is not present in population databases (gnomAD no frequency). This variant has not been reported in the literature in individuals affected with DNMT3A-related conditions. An algorithm developed to predict the effect of missense changes on protein structure and function (PolyPhen-2) suggests that this variant is likely to be tolerated. In summary, the available evidence is currently insufficient to determine the role of this variant in disease. Therefore, it has been classified as a Variant of Uncertain Significance.